The following is an entry in ClinVar:

ClinVar aggregate classification (germline): Uncertain significance (1 of 4 stars; one submission).

Submission:

CeGaT Center for Human Genetics Tuebingen
Classification: Uncertain significance. Last evaluated: 2025-05-01. Review status: criteria provided, single submitter. Criteria: CeGaT Center For Human Genetics Tuebingen Variant Classification Criteria Version 2. Collection method: clinical testing. Allele origin: germline. Affected: yes. Observed: 1 variant allele.
Comment: MACF1: PM2

NM_001394062.1(MACF1):c.9786_9787del (p.Gly3263fs)

Gene: MACF1 (microtubule actin crosslinking factor 1; plus strand). Cytogenetic location: 1p34.3.
Variant type: Microsatellite.
Coding change: c.9786_9787del on transcript NM_001394062.1 (MANE Select); coding-DNA positions 9786 to 9787, 2 bases deleted (AG; older notation c.9786_9787delAG).
Protein change: p.Gly3263fs; shifts the reading frame from glycine 3263.
Molecular consequence: frameshift variant. On other transcripts: intron variant (1).
Genome position (GRCh38, 1-based): chr1:39,336,374-39,336,375, AG deleted; deleting any 2 consecutive bases within chr1:39,336,370-39,336,375 gives the same sequence; the c. name uses the placement nearest the transcript's 3' end. VCF-style (leftmost placement, unchanged base first): chr1-39336369-CAG-C. GRCh37 (hg19) VCF-style: chr1-39802041-CAG-C.
Other names: c.4629+9017AG[2] (NM_012090.5); short protein forms G3263fs.
Identifiers: ClinVar variation 3905504 (VCV003905504.10).
Genomic context (GRCh38, chr1:39,336,369, plus strand): 5'-GAAATGGCAAACCCTAATGTTGCAGGTCTAGAAGCAGGATCCATTGAGGACATAGTGACT[CAG>C]AGAGGTTCCAGAGTCTTGGGATCCTTTCTTCCAGAGAAACTGTTCAAAGGAGTGTCTCAA-3'